The following is an entry in ClinVar:

ClinVar aggregate classification (germline): Benign (1 of 4 stars; one submission).

Allele frequency attached by ClinVar (database versions not stated): TOPMed 0.75033; 1000 Genomes Project 0.62220; gnomAD 0.74749 and 0.76159; 1000 Genomes Project 30x 0.63882.
gnomAD v4.1: 113,774 of 152,076 alleles (75%); highest among the groups gnomAD compares: African/African-American, 84%; 43,792 homozygotes.

Submission:

GeneDx
Classification: Benign. Last evaluated: 2018-06-14. Review status: criteria provided, single submitter. Criteria: GeneDx Variant Classification (06012015). Collection method: clinical testing. Allele origin: germline. Affected: yes.
Comment: This variant is considered likely benign or benign based on one or more of the following criteria: it is a conservative change, it occurs at a poorly conserved position in the protein, it is predicted to be benign by multiple in silico algorithms, and/or has population frequency not consistent with disease.

NM_001384140.1(PCDH15):c.985+175T>A

Gene: PCDH15 (protocadherin related 15; minus strand). Cytogenetic location: 10q21.1.
Variant type: single nucleotide variant.
Coding change: c.985+175T>A on transcript NM_001384140.1 (MANE Select); 175 bases into the intron after coding-DNA position 985, T replaced by A.
Molecular consequence: intron variant.
Genome position (GRCh38, 1-based): chr10:54,236,648, A>T on the plus strand (T>A on the coding strand, the complement: PCDH15 is on the minus strand). VCF-style: chr10-54236648-A-T. GRCh37 (hg19) VCF-style: chr10-55996408-A-T.
Other names: c.985+175T>A (NM_001354420.2, NM_001354429.2, NM_001142772.2 and 7 more transcripts); c.1000+175T>A (NM_001142771.2, NM_001142769.3, NM_001142763.2); c.919+175T>A (NM_001354404.2, NM_001142773.2, NM_001142768.2); c.874+175T>A (NM_001142767.2).
Identifiers: ClinVar variation 678842 (VCV000678842.1), dbSNP rs7915391, ClinGen allele CA207255944.